The following is an entry in ClinVar:

NM_001330588.2(TPP2):c.2433_2434insA (p.Val812fs)

Gene: TPP2 (tripeptidyl peptidase 2; plus strand). Cytogenetic location: 13q33.1.
Variant type: Insertion.
Coding change: c.2433_2434insA on transcript NM_001330588.2 (MANE Select); coding-DNA positions 2433 to 2434, A inserted.
Protein change: p.Val812fs; shifts the reading frame from valine 812.
Molecular consequence: frameshift variant. On other transcripts: non-coding transcript variant (1).
Genome position: GRCh38 VCF-style: chr13-102646333-T-TA. GRCh37 (hg19) VCF-style: chr13-103298683-T-TA.
Other names: c.2433_2434insA, p.Val812fs (LRG_1341t1, NM_001367947.1, NM_003291.4); short protein forms V812fs.
Identifiers: ClinVar variation 650988 (VCV000650988.1), dbSNP rs1595184407, ClinGen allele CA915948917.

ClinVar aggregate classification (germline): Pathogenic (1 of 4 stars; one submission).

Conditions:
Evans syndrome, immunodeficiency, and premature immunosenescence associated with tripeptidyl-peptidase II deficiency. Identifiers: MedGen CN231723. Disease mechanism: loss of function.

Submission:

Labcorp Genetics (formerly Invitae), Labcorp
Classification: Pathogenic for Evans syndrome, immunodeficiency, and premature immunosenescence associated with tripeptidyl-peptidase II deficiency. Last evaluated: 2018-10-24. Review status: criteria provided, single submitter. Criteria: Invitae Variant Classification Sherloc (09022015). Collection method: clinical testing. Allele origin: germline.
Comment: This sequence change creates a premature translational stop signal (p.Val812Serfs*5) in the TPP2 gene. It is expected to result in an absent or disrupted protein product. This variant is not present in population databases (ExAC no frequency). This variant has not been reported in the literature in individuals with TPP2-related disease. Loss-of-function variants in TPP2 are known to be pathogenic (PMID: 25414442). For these reasons, this variant has been classified as Pathogenic.